The following is an entry in ClinVar:

ClinVar aggregate classification (germline): Uncertain significance (1 of 4 stars; one submission).

Submission:

GeneDx
Classification: Uncertain significance. Last evaluated: 2026-10-15. Review status: criteria provided, single submitter. Criteria: GeneDx Variant Classification Process June 2021. Collection method: clinical testing. Allele origin: germline.
Comment: Not observed at significant frequency in large population cohorts (gnomAD); In silico analysis supports that this missense variant has a deleterious effect on protein structure/function; Has not been previously published as pathogenic or benign to our knowledge

NM_002693.3(POLG):c.1801A>C (p.Lys601Gln)

Gene: POLG (DNA polymerase gamma, catalytic subunit; minus strand). Cytogenetic location: 15q26.1.
Variant type: single nucleotide variant.
Coding change: c.1801A>C on transcript NM_002693.3 (MANE Select); coding-DNA position 1801, A replaced by C.
Protein change: p.Lys601Gln; replaces lysine 601 with glutamine.
Molecular consequence: missense variant.
Genome position (GRCh38, 1-based): chr15:89,325,598, T>G on the plus strand (A>C on the coding strand, the complement: POLG is on the minus strand). VCF-style: chr15-89325598-T-G. GRCh37 (hg19) VCF-style: chr15-89868829-T-G.
Other names: c.1801A>C, p.Lys601Gln (NM_001126131.2); short protein forms K601Q.
Identifiers: ClinVar variation 3776507 (VCV003776507.2).